The following is an entry in ClinVar:

ClinVar aggregate classification (germline): Uncertain significance. Review status: criteria provided, multiple submitters, no conflicts (2 of 4 stars). 2 submissions from 2 submitters: Uncertain significance (2). Last evaluated 2022-04-16.

Conditions:
Hereditary cancer-predisposing syndrome. Also called: Hereditary Cancer Syndrome; Neoplastic Syndromes, Hereditary; Tumor predisposition; Hereditary neoplastic syndrome. Identifiers: Orphanet 140162, MedGen C0027672, MeSH D009386, MONDO:0015356.

Submissions (2):

Ambry Genetics
Classification: Uncertain significance for Hereditary cancer-predisposing syndrome. Last evaluated: 2022-04-16. Review status: criteria provided, single submitter. Criteria: Ambry Variant Classification Scheme 2023. Collection method: clinical testing. Allele origin: germline.
Comment: The p.E677A variant (also known as c.2030A>C), located in coding exon 12 of the PMS2 gene, results from an A to C substitution at nucleotide position 2030. The glutamic acid at codon 677 is replaced by alanine, an amino acid with dissimilar properties. This amino acid position is highly conserved in available vertebrate species. In addition, the in silico prediction for this alteration is inconclusive. Since supporting evidence is limited at this time, the clinical significance of this alteration remains unclear.

Sema4
Classification: Uncertain significance for Hereditary cancer-predisposing syndrome. Last evaluated: 2021-12-28. Review status: criteria provided, single submitter. Criteria: Sema4 Curation Guidelines. Collection method: curation. Allele origin: germline.
Comment: The PMS2 c.2030A>C (p.E677A) variant has not been reported in literature to our knowledge. This variant was not observed in the large and broad cohorts of the Genome Aggregation Database (PMID: 32461654). This variant has been reported in ClinVar (Variation ID: 480341). In silico tools suggest the impact of the variant on protein function is deleterious, though these predictions have not been confirmed by functional studies. The overall evidence is insufficient to meet ACMG/AMP criteria for classifying the variant as benign or pathogenic. Thus, the clinical significance of this variant is currently uncertain.

NM_000535.7(PMS2):c.2030A>C (p.Glu677Ala)

Gene: PMS2 (PMS1 homolog 2, mismatch repair system component; minus strand). Cytogenetic location: 7p22.1.
Variant type: single nucleotide variant.
Coding change: c.2030A>C on transcript NM_000535.7 (MANE Select); coding-DNA position 2030, A replaced by C.
Protein change: p.Glu677Ala; replaces glutamic acid 677 with alanine.
Molecular consequence: missense variant. On other transcripts: non-coding transcript variant (1).
Genome position (GRCh38, 1-based): chr7:5,982,968, T>G on the plus strand (A>C on the coding strand, the complement: PMS2 is on the minus strand). VCF-style: chr7-5982968-T-G. GRCh37 (hg19) VCF-style: chr7-6022599-T-G.
Other names: c.1625A>C, p.Glu542Ala (NM_001322003.2, NM_001322004.2, NM_001322005.2 and 1 more transcripts); c.1874A>C, p.Glu625Ala (NM_001322006.2); c.1712A>C, p.Glu571Ala (NM_001322007.2, NM_001322008.2); c.1469A>C, p.Glu490Ala (NM_001322010.2); c.1097A>C, p.Glu366Ala (NM_001322011.2, NM_001322012.2); c.1457A>C, p.Glu486Ala (NM_001322013.2); c.2030A>C, p.Glu677Ala (NM_001322014.2); c.1721A>C, p.Glu574Ala (NM_001322015.2); short protein forms E677A, E486A, E542A, E574A, E571A, E366A, E490A, E625A.
Identifiers: ClinVar variation 480341 (VCV000480341.6), dbSNP rs1554295953, ClinGen allele CA366738146.